The following is an entry in ClinVar:

ClinVar aggregate classification (germline): Likely benign. Review status: criteria provided, multiple submitters, no conflicts (2 of 4 stars). 2 submissions from 2 submitters: Likely benign (2). Last evaluated 2018-06-14.

Allele frequency attached by ClinVar (database versions not stated): 1000 Genomes Project 0.01987; 1000 Genomes Project 30x 0.02144; gnomAD 0.02345 and 0.02348; TOPMed 0.02364.
gnomAD v4.1: 2,628 of 112,437 alleles (2.3%); highest among the groups gnomAD compares: African/African-American, 3.2%; 25 homozygotes.

Submissions (2):

GeneDx
Classification: Likely benign. Last evaluated: 2018-06-14. Review status: criteria provided, single submitter. Criteria: GeneDx Variant Classification (06012015). Collection method: clinical testing. Allele origin: germline. Affected: yes.
Comment: This variant is considered likely benign or benign based on one or more of the following criteria: it is a conservative change, it occurs at a poorly conserved position in the protein, it is predicted to be benign by multiple in silico algorithms, and/or has population frequency not consistent with disease.

Breakthrough Genomics
Classification: Likely benign. Review status: criteria provided, single submitter. Criteria: ACMG Guidelines, 2015. Collection method: not provided. Allele origin: germline. Inheritance: X-linked recessive inheritance. Affected: yes.

NM_000047.3(ARSL):c.307+209C>T

Gene: ARSL (arylsulfatase L; minus strand). Cytogenetic location: Xp22.33.
Variant type: single nucleotide variant.
Coding change: c.307+209C>T on transcript NM_000047.3 (MANE Select); 209 bases into the intron after coding-DNA position 307, C replaced by T.
Molecular consequence: intron variant.
Genome position (GRCh38, 1-based): chrX:2,955,207, G>A on the plus strand (C>T on the coding strand, the complement: ARSL is on the minus strand). VCF-style: chrX-2955207-G-A. GRCh37 (hg19) VCF-style: chrX-2873248-G-A.
Other names: c.382+209C>T (NM_001282628.2, NM_001369080.1); c.145+209C>T (NM_001282631.2); c.334+209C>T (NM_001369079.1).
Identifiers: ClinVar variation 672770 (VCV000672770.2), dbSNP rs111473174, ClinGen allele CA325984848.